The following is an entry in ClinVar:

NM_032806.6(POMGNT2):c.851del (p.Leu284fs)

Gene: POMGNT2 (protein O-linked mannose N-acetylglucosaminyltransferase 2 (beta 1,4-); minus strand). Cytogenetic location: 3p22.1.
Variant type: Deletion.
Coding change: c.851del on transcript NM_032806.6 (MANE Select); coding-DNA position 851, one base deleted (T; older notation c.851delT).
Protein change: p.Leu284fs; shifts the reading frame from leucine 284.
Molecular consequence: frameshift variant.
Genome position (GRCh38, 1-based): chr3:43,080,581, A deleted on the plus strand (T on the coding strand, the reverse complement: POMGNT2 is on the minus strand). VCF-style (leftmost placement, unchanged base first): chr3-43080580-TA-T. GRCh37 (hg19) VCF-style: chr3-43122072-TA-T.
Other names: c.851del, p.Leu284fs (NM_001437285.1); short protein forms L284fs.
Identifiers: ClinVar variation 4739533 (VCV004739533.1).
Genomic context (GRCh38, chr3:43,080,580, plus strand): 5'-TGCCTCATTCAGAATGAGTCTGTTCTGGGTTCGGCTAAAGACCAGAATGTACTCCTCGCC[TA>T]GGGGGACTCCTGTGTGGCTCACGTTCAGCTTTTCTGTCATGAACCGTGCAAACTGCCGGA-3'

ClinVar aggregate classification (germline): Pathogenic (1 of 4 stars; one submission).

Conditions:
Muscular dystrophy-dystroglycanopathy (congenital with brain and eye anomalies), type a, 8 (MDDGA8). Also called: WALKER-WARBURG SYNDROME OR MUSCLE-EYE-BRAIN DISEASE, GTDC2-RELATED. Identifiers: Orphanet 899, MedGen C3553813, MONDO:0013904, OMIM 614830.

Submission:

Labcorp Genetics (formerly Invitae), Labcorp
Classification: Pathogenic for Muscular dystrophy-dystroglycanopathy (congenital with brain and eye anomalies), type a, 8. Last evaluated: 2025-02-23. Review status: criteria provided, single submitter. Criteria: Invitae Variant Classification Sherloc (09022015). Collection method: clinical testing. Allele origin: germline.
Comment: This sequence change creates a premature translational stop signal (p.Leu284Glnfs*18) in the POMGNT2 gene. While this is not anticipated to result in nonsense mediated decay, it is expected to disrupt the last 297 amino acid(s) of the POMGNT2 protein. This variant is present in population databases (rs770914898, gnomAD 0.0009%). This variant has not been reported in the literature in individuals affected with POMGNT2-related conditions. This variant disrupts a region of the POMGNT2 protein in which other variant(s) (p.Gln411Argfs*10) have been determined to be pathogenic (PMID: 22958903, 35229910; internal data). This suggests that this is a clinically significant region of the protein, and that variants that disrupt it are likely to be disease-causing. For these reasons, this variant has been classified as Pathogenic.

Literature cited by the submitters: PubMed 22958903; PubMed 35229910.